The following is an entry in ClinVar:

NM_000603.5(NOS3):c.2554C>T (p.Pro852Ser)

Gene: NOS3 (nitric oxide synthase 3; plus strand). Cytogenetic location: 7q36.1.
Variant type: single nucleotide variant.
Coding change: c.2554C>T on transcript NM_000603.5 (MANE Select); coding-DNA position 2554, C replaced by T.
Protein change: p.Pro852Ser; replaces proline 852 with serine.
Molecular consequence: missense variant.
Genome position (GRCh38, 1-based): chr7:151,010,156, C>T. VCF-style: chr7-151010156-C-T. GRCh37 (hg19) VCF-style: chr7-150707244-C-T.
Other names: short protein forms P852S.
Identifiers: ClinVar variation 1050465 (VCV001050465.1), dbSNP rs1795272583, ClinGen allele CA369864012.
Genomic context (GRCh38, chr7:151,010,156, plus strand): 5'-CCCTGTGCACTATCCCCAGGTGGCCCTCCCCCCGGCTGGGTGCGGGACCCCCGGCTGCCC[C>T]CGTGCACGCTGCGCCAGGCTCTCACCTTCTTCCTGGACATCACCTCCCCACCCAGCCCTC-3'
Protein context (NP_000594.2, residues 842-862): PGWVRDPRLP[Pro852Ser]CTLRQALTFF

ClinVar aggregate classification (germline): Uncertain significance (0 of 4 stars; one submission).

Submission:

Department of Pathology and Laboratory Medicine, Sinai Health System
Classification: Uncertain significance. Review status: no assertion criteria provided. Collection method: clinical testing. Allele origin: unknown. Affected: yes. Study: The Canadian Open Genetics Repository (COGR).
Comment: The NOS3 p.Pro852Ser variant was not identified in the literature nor was it identified in dbSNP or ClinVar. The variant was not identified in the following control databases: the 1000 Genomes Project, the NHLBI GO Exome Sequencing Project, or the Genome Aggregation Database (March 6, 2019, v2.1.1).The p.Pro852 residue is not conserved in mammals and computational analyses (PolyPhen-2, SIFT, AlignGVGD, BLOSUM, MutationTaster) provide inconsistent predictions regarding the impact to the protein; this information is not very predictive of pathogenicity. The variant occurs outside of the splicing consensus sequence and in silico or computational prediction software programs (SpliceSiteFinder, MaxEntScan, NNSPLICE, GeneSplicer) do not predict a difference in splicing. In summary, based on the above information the clinical significance of this variant cannot be determined with certainty at this time. This variant is classified as a variant of uncertain significance.